The following is an entry in ClinVar:

ClinVar aggregate classification (germline): Uncertain significance (1 of 4 stars; one submission).

Submission:

Labcorp Genetics (formerly Invitae), Labcorp
Classification: Uncertain significance. Last evaluated: 2021-12-15. Review status: criteria provided, single submitter. Criteria: Invitae Variant Classification Sherloc (09022015). Collection method: clinical testing. Allele origin: germline.
Comment: In summary, the available evidence is currently insufficient to determine the role of this variant in disease. Therefore, it has been classified as a Variant of Uncertain Significance. Variants that disrupt the consensus splice site are a relatively common cause of aberrant splicing (PMID: 17576681, 9536098). Algorithms developed to predict the effect of sequence changes on RNA splicing suggest that this variant may disrupt the consensus splice site. This variant has not been reported in the literature in individuals affected with CAMK2B-related conditions. This variant is not present in population databases (gnomAD no frequency). This sequence change falls in intron 11 of the CAMK2B gene. It does not directly change the encoded amino acid sequence of the CAMK2B protein. It affects a nucleotide within the consensus splice site.

Literature cited by the submitters: PubMed 17576681; PubMed 9536098.

NM_001220.5(CAMK2B):c.903+5G>A

Gene: CAMK2B (calcium/calmodulin dependent protein kinase II beta; minus strand). Cytogenetic location: 7p13.
Variant type: single nucleotide variant.
Coding change: c.903+5G>A on transcript NM_001220.5 (MANE Select); 5 bases into the intron after coding-DNA position 903, G replaced by A.
Molecular consequence: intron variant.
Genome position (GRCh38, 1-based): chr7:44,241,695, C>T on the plus strand (G>A on the coding strand, the complement: CAMK2B is on the minus strand). VCF-style: chr7-44241695-C-T. GRCh37 (hg19) VCF-style: chr7-44281294-C-T.
Other names: c.903+5G>A (NM_172084.3, NM_172080.3, NM_172083.3 and 5 more transcripts).
Identifiers: ClinVar variation 2044047 (VCV002044047.4), dbSNP rs2486007441, ClinGen allele CA2580077175.